The following is an entry in ClinVar:

NM_006005.3(WFS1):c.230C>G (p.Thr77Ser)

Gene: WFS1 (wolframin ER transmembrane glycoprotein; plus strand). Cytogenetic location: 4p16.1.
Variant type: single nucleotide variant.
Coding change: c.230C>G on transcript NM_006005.3 (MANE Select); coding-DNA position 230, C replaced by G.
Protein change: p.Thr77Ser; replaces threonine 77 with serine.
Molecular consequence: missense variant.
Genome position (GRCh38, 1-based): chr4:6,277,685, C>G. VCF-style: chr4-6277685-C-G. GRCh37 (hg19) VCF-style: chr4-6279412-C-G.
Other names: c.230C>G, p.Thr77Ser (NM_001145853.1); short protein forms T77S.
Identifiers: ClinVar variation 1721642 (VCV001721642.5), dbSNP rs1207524464, ClinGen allele CA356169895.

ClinVar aggregate classification (germline): Uncertain significance (1 of 4 stars; one submission).

gnomAD v4.1: 14 of 1,558,016 alleles (0.0009%); highest among the groups gnomAD compares: Non-Finnish European, 0.0012%; no homozygotes.

Submission:

Labcorp Genetics (formerly Invitae), Labcorp
Classification: Uncertain significance. Last evaluated: 2025-12-15. Review status: criteria provided, single submitter. Criteria: Invitae Variant Classification Sherloc (09022015). Collection method: clinical testing. Allele origin: germline.
Comment: This sequence change replaces threonine, which is neutral and polar, with serine, which is neutral and polar, at codon 77 of the WFS1 protein (p.Thr77Ser). This variant is present in population databases (no rsID available, gnomAD 0.002%). This variant has not been reported in the literature in individuals affected with WFS1-related conditions. ClinVar contains an entry for this variant (Variation ID: 1721642). Invitae Evidence Modeling of protein sequence and biophysical properties (such as structural, functional, and spatial information, amino acid conservation, physicochemical variation, residue mobility, and thermodynamic stability) indicates that this missense variant is not expected to disrupt WFS1 protein function with a negative predictive value of 95%. In summary, the available evidence is currently insufficient to determine the role of this variant in disease. Therefore, it has been classified as a Variant of Uncertain Significance.